The following is an entry in ClinVar:

NM_000051.4(ATM):c.8204G>A (p.Cys2735Tyr)

Genes: ATM (ATM serine/threonine kinase; plus strand), C11orf65 (chromosome 11 open reading frame 65; minus strand). Cytogenetic location: 11q22.3.
Variant type: single nucleotide variant.
Coding change: c.8204G>A on transcript NM_000051.4 (MANE Select); coding-DNA position 8204, G replaced by A.
Protein change: p.Cys2735Tyr; replaces cysteine 2735 with tyrosine.
Molecular consequence: missense variant. On other transcripts: intron variant (2).
Genome position (GRCh38, 1-based): chr11:108,335,897, G>A. VCF-style: chr11-108335897-G-A. GRCh37 (hg19) VCF-style: chr11-108206624-G-A.
Other names: c.8204G>A, p.Cys2735Tyr (NM_001351834.2); c.641-26826C>T (NM_001330368.2); c.695-605C>T (NM_001351110.2); short protein forms C2735Y.
Identifiers: ClinVar variation 3802487 (VCV003802487.1).

ClinVar aggregate classification (germline): Uncertain significance (1 of 4 stars; one submission).

Conditions:
Hereditary cancer-predisposing syndrome. Also called: Neoplastic Syndromes, Hereditary; Tumor predisposition; Hereditary Cancer Syndrome; Hereditary neoplastic syndrome. Identifiers: Orphanet 140162, MedGen C0027672, MeSH D009386, MONDO:0015356.

Submission:

Ambry Genetics
Classification: Uncertain significance for Hereditary cancer-predisposing syndrome. Last evaluated: 2025-02-06. Review status: criteria provided, single submitter. Criteria: Ambry Variant Classification Scheme 2023. Collection method: clinical testing. Allele origin: germline.
Comment: The p.C2735Y variant (also known as c.8204G>A), located in coding exon 55 of the ATM gene, results from a G to A substitution at nucleotide position 8204. The cysteine at codon 2735 is replaced by tyrosine, an amino acid with highly dissimilar properties. This amino acid position is conserved. In addition, this alteration is predicted to be deleterious by in silico analysis. Based on the available evidence, the clinical significance of this variant remains unclear.